The following is an entry in ClinVar:

ClinVar aggregate classification (germline): Likely benign. Review status: criteria provided, multiple submitters, no conflicts (2 of 4 stars). 2 submissions from 2 submitters: Likely benign (2). Last evaluated 2026-08-01.

Allele frequency attached by ClinVar (database versions not stated): TOPMed 0.00005; ESP Exome Variant Server 0.00008; 1000 Genomes Project 30x 0.00016; 1000 Genomes Project 0.00020; gnomAD exomes 0.00025; gnomAD 0.00050; ExAC 0.00059.
gnomAD v4.1: 447 of 1,613,698 alleles (0.028%); highest among the groups gnomAD compares: Admixed American, 0.01%; 1 homozygote.

Submissions (2):

CeGaT Center for Human Genetics Tuebingen
Classification: Likely benign. Last evaluated: 2026-08-01. Review status: criteria provided, single submitter. Criteria: CeGaT Center For Human Genetics Tuebingen Variant Classification Criteria Version 2. Collection method: clinical testing. Allele origin: germline. Affected: yes. Observed: 3 variant alleles.
Comment: NBEA: PP3, BS1

Blueprint Genetics
Classification: Likely benign. Last evaluated: 2024-11-06. Review status: criteria provided, single submitter. Criteria: ACMG Guidelines, 2015. Collection method: clinical testing. Allele origin: germline.

NM_001385012.1(NBEA):c.7715C>T (p.Thr2572Met)

Gene: NBEA (neurobeachin; plus strand). Cytogenetic location: 13q13.3.
Variant type: single nucleotide variant.
Coding change: c.7715C>T on transcript NM_001385012.1 (MANE Select); coding-DNA position 7715, C replaced by T.
Protein change: p.Thr2572Met; replaces threonine 2572 with methionine.
Molecular consequence: missense variant.
Genome position (GRCh38, 1-based): chr13:35,646,293, C>T. VCF-style: chr13-35646293-C-T. GRCh37 (hg19) VCF-style: chr13-36220430-C-T.
Other names: c.1031C>T, p.Thr344Met (NM_001204197.3); c.7706C>T, p.Thr2569Met (NM_001379245.1); c.7652C>T, p.Thr2551Met (NM_015678.5); short protein forms T2551M, T2569M, T2572M, T344M.
Identifiers: ClinVar variation 2643765 (VCV002643765.25), dbSNP rs200250784, ClinGen allele CA6947838.